The following is an entry in ClinVar:

ClinVar aggregate classification (germline): Pathogenic. Review status: reviewed by expert panel (3 of 4 stars). 3 submissions from 3 submitters: Pathogenic (1). 2 of the submissions do not count toward it. Last evaluated 2017-12-15.

Conditions:
Familial cancer of breast. Also called: hereditary breast carcinoma; BREAST CANCER, FAMILIAL; Hereditary breast cancer. Identifiers: Orphanet 227535, MedGen C0346153, MONDO:0016419, OMIM 114480. Disease mechanism: loss of function.
Breast-ovarian cancer, familial, susceptibility to, 1 (BROVCA1). Also called: BRCA1 Hereditary Breast and Ovarian Cancer; OVARIAN CANCER, SUSCEPTIBILITY TO. Identifiers: Orphanet 145, MedGen C2676676, MONDO:0011450, OMIM 604370. Disease mechanism: loss of function.
Hereditary breast ovarian cancer syndrome. Also called: BRCA1- and BRCA2-Associated Hereditary Breast and Ovarian Cancer; Hereditary breast and ovarian cancer syndrome; Hereditary breast and ovarian cancer syndrome (HBOC); Breast and ovarian cancer; Hereditary breast and/or ovarian cancer syndrome; Hereditary breast and ovarian cancer. Identifiers: Orphanet 145, MedGen C0677776, MeSH D061325, MONDO:0003582. Disease mechanism: loss of function.

Submissions (3):

Evidence-based Network for the Interpretation of Germline Mutant Alleles (ENIGMA)
Classification: Pathogenic for Breast-ovarian cancer, familial, susceptibility to, 1. Last evaluated: 2017-12-15. Review status: reviewed by expert panel. Criteria: ENIGMA BRCA1/2 Classification Criteria (2017-06-29). Collection method: curation. Allele origin: germline. Study: ENIGMA.
Comment: Variant allele predicted to encode a truncated non-functional protein.

Labcorp Genetics (formerly Invitae), Labcorp
Classification: Pathogenic for Hereditary breast ovarian cancer syndrome. Last evaluated: 2023-03-06. Review status: criteria provided, single submitter. Criteria: Invitae Variant Classification Sherloc (09022015). Collection method: clinical testing. Allele origin: germline. Not counted in ClinVar's aggregate classification.
Comment: This sequence change creates a premature translational stop signal (p.Arg1744Lysfs*21) in the BRCA1 gene. It is expected to result in an absent or disrupted protein product. Loss-of-function variants in BRCA1 are known to be pathogenic (PMID: 20104584). For these reasons, this variant has been classified as Pathogenic. ClinVar contains an entry for this variant (Variation ID: 55471). This premature translational stop signal has been observed in individual(s) with breast cancer (PMID: 22078348). This variant is not present in population databases (gnomAD no frequency).

ClinVar Staff, National Center for Biotechnology Information (NCBI)
No classification provided. Condition: Familial cancer of breast. Review status: no classification provided. Collection method: literature only. Allele origin: germline. Affected: yes. Not counted in ClinVar's aggregate classification.

Literature cited by the submitters: PubMed 20104584 (cited by Labcorp Genetics (formerly Invitae), Labcorp); PubMed 22078348 (cited by Labcorp Genetics (formerly Invitae), Labcorp and ClinVar Staff, National Center for Biotechnology Information (NCBI)).

NM_007294.4(BRCA1):c.5231del (p.Arg1744fs)

Gene: BRCA1 (BRCA1 DNA repair associated; minus strand). Cytogenetic location: 17q21.31.
Variant type: Deletion.
Coding change: c.5231del on transcript NM_007294.4 (MANE Select); coding-DNA position 5231, one base deleted (G; older notation c.5231delG).
Protein change: p.Arg1744fs; shifts the reading frame from arginine 1744.
Molecular consequence: frameshift variant. On other transcripts: non-coding transcript variant (1).
Genome position (GRCh38, 1-based): chr17:43,057,098, C deleted on the plus strand (G on the coding strand, the reverse complement: BRCA1 is on the minus strand). VCF-style (leftmost placement, unchanged base first): chr17-43057097-TC-T. GRCh37 (hg19) VCF-style: chr17-41209114-TC-T.
Other names: c.5231delG, p.Arg1744Lysfs (NM_001407854.1, NM_001407593.1, NM_001407594.1 and 7 more transcripts); c.5228delG, p.Arg1743Lysfs (NM_001407858.1, NM_001407859.1, NM_001407860.1 and 17 more transcripts); c.5225delG, p.Arg1742Lysfs (NM_001407861.1, NM_001407627.1, NM_001407628.1 and 14 more transcripts); c.5030delG, p.Arg1677Lysfs (NM_001407862.1); c.5027delG, p.Arg1676Lysfs (NM_001407863.1); c.5024delG, p.Arg1675Lysfs (NM_001407874.1, NM_001407875.1); c.5021delG, p.Arg1674Lysfs (NM_001407879.1, NM_001407881.1, NM_001407882.1 and 5 more transcripts); c.5018delG, p.Arg1673Lysfs (NM_001407894.1, NM_001407895.1, NM_001407896.1 and 12 more transcripts); and 75 more; short protein forms R1744fs, R640fs, R1697fs, R1765fs.
Identifiers: ClinVar variation 55471 (VCV000055471.6), dbSNP rs397509241, ClinGen allele CA003375.
Genomic context (GRCh38, chr17:43,057,097, plus strand): 5'-GGGAGGGAGCTTTACCTTTCTGTCCTGGGATTCTCTTGCTCGCTTTGGACCTTGGTGGTT[TC>T]TTCCATTGACCACATCTCCTCTGACTTCAAAATCATGCTGAAAGAAACCAAACACAACCC-3'